The following is an entry in ClinVar:

ClinVar aggregate classification (germline): Uncertain significance (1 of 4 stars; one submission).

Conditions:
Severe combined immunodeficiency due to DCLRE1C deficiency (RS-SCID). Also called: SCID, AUTOSOMAL RECESSIVE, T CELL-NEGATIVE, B CELL-NEGATIVE, NK CELL-POSITIVE, WITH SENSITIVITY TO IONIZING RADIATION. Identifiers: Orphanet 275, MedGen C1865371, MONDO:0011225, OMIM 602450.

Allele frequency attached by ClinVar (database versions not stated): gnomAD exomes 0.00001.
gnomAD v4.1: 7 of 1,614,178 alleles (0.00043%); highest among the groups gnomAD compares: Non-Finnish European, 0.00059%; no homozygotes.

Submission:

Labcorp Genetics (formerly Invitae), Labcorp
Classification: Uncertain significance for Athabaskan severe combined immunodeficiency. Last evaluated: 2022-06-20. Review status: criteria provided, single submitter. Criteria: Invitae Variant Classification Sherloc (09022015). Collection method: clinical testing. Allele origin: germline.
Comment: In summary, the available evidence is currently insufficient to determine the role of this variant in disease. Therefore, it has been classified as a Variant of Uncertain Significance. Algorithms developed to predict the effect of missense changes on protein structure and function output the following: SIFT: "Tolerated"; PolyPhen-2: "Benign"; Align-GVGD: "Class C0". The methionine amino acid residue is found in multiple mammalian species, which suggests that this missense change does not adversely affect protein function. This variant has not been reported in the literature in individuals affected with DCLRE1C-related conditions. This variant is not present in population databases (gnomAD no frequency). This sequence change replaces isoleucine, which is neutral and non-polar, with methionine, which is neutral and non-polar, at codon 630 of the DCLRE1C protein (p.Ile630Met).

NM_001033855.3(DCLRE1C):c.1890A>G (p.Ile630Met)

Gene: DCLRE1C (DNA cross-link repair 1C; minus strand). Cytogenetic location: 10p13.
Variant type: single nucleotide variant.
Coding change: c.1890A>G on transcript NM_001033855.3 (MANE Select); coding-DNA position 1890, A replaced by G.
Protein change: p.Ile630Met; replaces isoleucine 630 with methionine.
Molecular consequence: missense variant. On other transcripts: non-coding transcript variant (3), intron variant (3).
Genome position (GRCh38, 1-based): chr10:14,908,597, T>C on the plus strand (A>G on the coding strand, the complement: DCLRE1C is on the minus strand). VCF-style: chr10-14908597-T-C. GRCh37 (hg19) VCF-style: chr10-14950596-T-C.
Other names: c.1530A>G, p.Ile510Met (NM_001033857.3, NM_001033858.3, NM_001289077.2 and 1 more transcripts); c.1545A>G, p.Ile515Met (NM_001289076.2, NM_001289078.2, NM_022487.4); c.1437+108A>G (NM_001350966.2); c.1782+108A>G (NM_001350965.2); c.1422+108A>G (NM_001350967.2); short protein forms I630M, I510M, I515M.
Identifiers: ClinVar variation 1520945 (VCV001520945.8), dbSNP rs201350418, ClinGen allele CA203428157.